The following is an entry in ClinVar:

NM_001401501.2(MUC16):c.1866T>A (p.Leu622=)

Gene: MUC16 (mucin 16, cell surface associated; minus strand). Cytogenetic location: 19p13.2.
Variant type: single nucleotide variant.
Coding change: c.1866T>A on transcript NM_001401501.2 (MANE Select); coding-DNA position 1866, T replaced by A.
Protein change: p.Leu622=; no amino-acid change (leucine 622 retained).
Molecular consequence: synonymous variant.
Genome position (GRCh38, 1-based): chr19:8,979,393, A>T on the plus strand (T>A on the coding strand, the complement: MUC16 is on the minus strand). VCF-style: chr19-8979393-A-T. GRCh37 (hg19) VCF-style: chr19-9090069-A-T.
Other names: c.2292T>A, p.Leu764= (NM_001414686.1); c.1746T>A, p.Leu582= (NM_001414687.1, NM_024690.2).
Identifiers: ClinVar variation 3051070 (VCV003051070.2), dbSNP rs201603416, ClinGen allele CA9173333.

ClinVar aggregate classification (germline): Likely benign (0 of 4 stars; one submission).

Conditions:
MUC16-related disorder. Also called: MUC16-related condition.

Allele frequency attached by ClinVar (database versions not stated): gnomAD 0.00009; gnomAD exomes 0.00012; TOPMed 0.00014; ESP Exome Variant Server 0.00016; ExAC 0.00022.

Submission:

PreventionGenetics, part of Exact Sciences
Classification: Likely benign for MUC16-related condition. Last evaluated: 2019-02-20. Review status: no assertion criteria provided. Collection method: clinical testing. Allele origin: germline.
Comment: This variant is classified as likely benign based on ACMG/AMP sequence variant interpretation guidelines (Richards et al. 2015 PMID: 25741868, with internal and published modifications).